The following is an entry in ClinVar:

ClinVar aggregate classification (germline): Uncertain significance. Review status: criteria provided, multiple submitters, no conflicts (2 of 4 stars). 6 submissions from 4 submitters: Uncertain significance (6). Last evaluated 2026-08-07.

Conditions:
Charcot-Marie-Tooth disease axonal type 2X. Also called: CHARCOT-MARIE-TOOTH DISEASE, AXONAL, AUTOSOMAL RECESSIVE, TYPE 2X; CHARCOT-MARIE-TOOTH NEUROPATHY, TYPE 2X. Identifiers: Orphanet 466775, MedGen C5569024, MONDO:0014726, OMIM 616668.
Amyotrophic lateral sclerosis type 5 (ALS5). Also called: AMYOTROPHIC LATERAL SCLEROSIS 5, JUVENILE. Identifiers: Orphanet 300605, MedGen C1865864, MONDO:0011196, OMIM 602099.
Hereditary spastic paraplegia 11. Also called: SPASTIC PARAPLEGIA, AUTOSOMAL RECESSIVE, COMPLICATED, WITH THIN CORPUS CALLOSUM; SPASTIC PARAPLEGIA, AUTOSOMAL RECESSIVE, WITH MENTAL IMPAIRMENT AND THIN CORPUS CALLOSUM; Spastic paraplegia, mental retardation and thin corpus callosum; Spastic Paraplegia 11; Nakamura Osame syndrome; Autosomal recessive hereditary spastic paraplegia, mental impairment, and thin corpus callosum. Identifiers: Orphanet 2822, MedGen C1858479, MONDO:0011445, OMIM 604360.

Allele frequency attached by ClinVar (database versions not stated): ExAC 0.00002; TOPMed 0.00002; gnomAD exomes 0.00003 and 0.00001; gnomAD 0.00004.

Submissions (6):

GeneDx
Classification: Uncertain significance. Last evaluated: 2026-08-07. Review status: criteria provided, single submitter. Criteria: GeneDx Variant Classification Process June 2021. Collection method: clinical testing. Allele origin: germline.
Comment: Not observed at significant frequency in large population cohorts (gnomAD); In-frame insertion of 1 amino acid(s) in a non-repeat region; Has not been previously published as pathogenic or benign to our knowledge

Labcorp Genetics (formerly Invitae), Labcorp
Classification: Uncertain significance for Hereditary spastic paraplegia 11. Last evaluated: 2022-05-29. Review status: criteria provided, single submitter. Criteria: Invitae Variant Classification Sherloc (09022015). Collection method: clinical testing. Allele origin: germline.
Comment: This variant, c.6932_6933insGTT, results in the insertion of 1 amino acid(s) of the SPG11 protein (p.Thr2311_Met2312insLeu), but otherwise preserves the integrity of the reading frame. This variant is present in population databases (rs747133152, gnomAD 0.004%). This variant has not been reported in the literature in individuals affected with SPG11-related conditions. ClinVar contains an entry for this variant (Variation ID: 216773). Experimental studies and prediction algorithms are not available or were not evaluated, and the functional significance of this variant is currently unknown. In summary, the available evidence is currently insufficient to determine the role of this variant in disease. Therefore, it has been classified as a Variant of Uncertain Significance.

Mayo Clinic Laboratories, Mayo Clinic
Classification: Uncertain significance. Last evaluated: 2021-01-20. Review status: criteria provided, single submitter. Criteria: ACMG Guidelines, 2015. Collection method: clinical testing. Allele origin: germline. Observed: 1 variant allele.

Genome-Nilou Lab
Classification: Uncertain significance for Amyotrophic lateral sclerosis type 5. Review status: criteria provided, single submitter. Criteria: ACMG Guidelines, 2015. Collection method: clinical testing. Allele origin: germline.

Genome-Nilou Lab
Classification: Uncertain significance for Charcot-Marie-Tooth disease axonal type 2X. Review status: criteria provided, single submitter. Criteria: ACMG Guidelines, 2015. Collection method: clinical testing. Allele origin: germline.

Genome-Nilou Lab
Classification: Uncertain significance for Hereditary spastic paraplegia 11. Review status: criteria provided, single submitter. Criteria: ACMG Guidelines, 2015. Collection method: clinical testing. Allele origin: germline.

NM_025137.4(SPG11):c.6932_6933insGTT (p.Thr2311_Met2312insLeu)

Gene: SPG11 (SPG11 vesicle trafficking associated, spatacsin; minus strand). Cytogenetic location: 15q21.1.
Variant type: Insertion.
Coding change: c.6932_6933insGTT on transcript NM_025137.4 (MANE Select); coding-DNA positions 6932 to 6933, GTT inserted.
Protein change: p.Thr2311_Met2312insLeu.
Molecular consequence: inframe insertion.
Genome position: GRCh38 VCF-style: chr15-44565920-T-TAAC. GRCh37 (hg19) VCF-style: chr15-44858118-T-TAAC.
Other names: c.6593_6594insGTT, p.Thr2198_Met2199insLeu (NM_001160227.2).
Identifiers: ClinVar variation 216773 (VCV000216773.12), dbSNP rs747133152, ClinGen allele CA336389.